The following is an entry in ClinVar:

NM_001303052.2(MYT1L):c.3172+3G>T

Gene: MYT1L (myelin transcription factor 1 like; minus strand). Cytogenetic location: 2p25.3.
Variant type: single nucleotide variant.
Coding change: c.3172+3G>T on transcript NM_001303052.2 (MANE Select); 3 bases into the intron after coding-DNA position 3172, G replaced by T.
Molecular consequence: intron variant.
Genome position (GRCh38, 1-based): chr2:1,809,073, C>A on the plus strand (G>T on the coding strand, the complement: MYT1L is on the minus strand). VCF-style: chr2-1809073-C-A. GRCh37 (hg19) VCF-style: chr2-1812845-C-A.
Other names: c.3166+3G>T (NM_015025.4, NM_001329847.2, NM_001329848.1 and 3 more transcripts); c.3172+3G>T (NM_001329844.2, NM_001329845.1, NM_001329851.3).
Identifiers: ClinVar variation 4683162 (VCV004683162.1).

ClinVar aggregate classification (germline): Uncertain significance (1 of 4 stars; one submission).

Conditions:
Early onset severe obesity. Identifiers: MedGen C4013980.

Submission:

Cambridge Genomics Laboratory, East Genomic Laboratory Hub, NHS Genomic Medicine Service
Classification: Uncertain significance for Severe early-onset obesity. Last evaluated: 2025-04-23. Review status: criteria provided, single submitter. Criteria: ACGS Best Practice Guidelines for Variant Classification in Rare Disease 2020. Collection method: clinical testing. Allele origin: germline. Affected: yes.
Comment: PM2_Supporting,PP3